The following is an entry in ClinVar:

ClinVar aggregate classification (germline): Uncertain significance. Review status: criteria provided, multiple submitters, no conflicts (2 of 4 stars). 2 submissions from 2 submitters: Uncertain significance (2). Last evaluated 2023-01-31.

Allele frequency attached by ClinVar (database versions not stated): gnomAD exomes below 0.00001.
gnomAD v4.1: 2 of 1,209,145 alleles (0.00017%); highest among the groups gnomAD compares: African/African-American, 0.0017%; no homozygotes.

Submissions (2):

GeneDx
Classification: Uncertain significance. Last evaluated: 2023-01-31. Review status: criteria provided, single submitter. Criteria: GeneDx Variant Classification Process June 2021. Collection method: clinical testing. Allele origin: germline.
Comment: Not observed at significant frequency in large population cohorts (gnomAD); In silico analysis supports that this missense variant has a deleterious effect on protein structure/function; Has not been previously published as pathogenic or benign to our knowledge

Institute for Clinical Genetics, University Hospital TU Dresden, University Hospital TU Dresden
Classification: Uncertain significance. Last evaluated: 2021-11-03. Review status: criteria provided, single submitter. Criteria: ACMG Guidelines, 2015. Collection method: clinical testing. Allele origin: germline.

NM_000240.4(MAOA):c.710A>T (p.Gln237Leu)

Gene: MAOA (monoamine oxidase A; plus strand). Cytogenetic location: Xp11.3.
Variant type: single nucleotide variant.
Coding change: c.710A>T on transcript NM_000240.4 (MANE Select); coding-DNA position 710, A replaced by T.
Protein change: p.Gln237Leu; replaces glutamine 237 with leucine.
Molecular consequence: missense variant.
Genome position (GRCh38, 1-based): chrX:43,731,305, A>T. VCF-style: chrX-43731305-A-T. GRCh37 (hg19) VCF-style: chrX-43590552-A-T.
Other names: c.311A>T, p.Gln104Leu (NM_001270458.2); short protein forms Q104L, Q237L.
Identifiers: ClinVar variation 1319262 (VCV001319262.6), dbSNP rs2033878817, ClinGen allele CA413006693.